The following is an entry in ClinVar:

NM_024312.5(GNPTAB):c.1144A>C (p.Thr382Pro)

Gene: GNPTAB (N-acetylglucosamine-1-phosphate transferase subunits alpha and beta; minus strand). Cytogenetic location: 12q23.2.
Variant type: single nucleotide variant.
Coding change: c.1144A>C on transcript NM_024312.5 (MANE Select); coding-DNA position 1144, A replaced by C.
Protein change: p.Thr382Pro; replaces threonine 382 with proline.
Molecular consequence: missense variant.
Genome position (GRCh38, 1-based): chr12:101,770,161, T>G on the plus strand (A>C on the coding strand, the complement: GNPTAB is on the minus strand). VCF-style: chr12-101770161-T-G. GRCh37 (hg19) VCF-style: chr12-102163939-T-G.
Other names: short protein forms T382P.
Identifiers: ClinVar variation 193739 (VCV000193739.12), dbSNP rs112543062, ClinGen allele CA239360.
Genomic context (GRCh38, chr12:101,770,161, plus strand): 5'-ACTTCTGGGACAGCCCTTCGATGCGATGAATGTGACTTTCAATAGCAGGTGAACTAAAGG[T>G]AGGCAAGTGGCTCAAATTTCGAAAAACATCCTTTTAACAACAACAAACAAAAAAAGAGAG-3'
Protein context (NP_077288.2, residues 372-392): DVFRNLSHLP[Thr382Pro]FSSPAIESHI

ClinVar aggregate classification (germline): Conflicting classifications of pathogenicity. Review status: criteria provided, conflicting classifications (1 of 4 stars). 3 submissions from 3 submitters: Pathogenic (1); Likely pathogenic (1); Uncertain significance (1). Last evaluated 2022-06-01.

Conditions:
Mucolipidosis type II. Also called: Mucolipidosis II Alpha/Beta; Mucolipidosis 2; ML 2; Inclusion cell disease; Leroy Disease; N-acetylglucosamine 1phosphotransferase deficiency. Identifiers: Orphanet 576, MedGen C2673377, MONDO:0009650, OMIM 252500.
Pseudo-Hurler polydystrophy. Also called: Mucolipidosis III Alpha/Beta; Type III Mucolipidosis; ML IIIA; ML III; ML III ALPHA/BETA; MUCOLIPIDOSIS IIIA. Identifiers: Orphanet 423461, Orphanet 577, MedGen C0033788, MONDO:0018931, OMIM 252600.

Submissions (3):

Labcorp Genetics (formerly Invitae), Labcorp
Classification: Pathogenic for Pseudo-Hurler polydystrophy; Mucolipidosis type II. Last evaluated: 2022-06-01. Review status: criteria provided, single submitter. Criteria: Invitae Variant Classification Sherloc (09022015). Collection method: clinical testing. Allele origin: germline.
Comment: ClinVar contains an entry for this variant (Variation ID: 193739). This missense change has been observed in individuals with mucolipidosis type II (PMID: 32651481). This variant is not present in population databases (gnomAD no frequency). This sequence change replaces threonine, which is neutral and polar, with proline, which is neutral and non-polar, at codon 382 of the GNPTAB protein (p.Thr382Pro). Advanced modeling of protein sequence and biophysical properties (such as structural, functional, and spatial information, amino acid conservation, physicochemical variation, residue mobility, and thermodynamic stability) performed at Invitae indicates that this missense variant is expected to disrupt GNPTAB protein function. For these reasons, this variant has been classified as Pathogenic. Algorithms developed to predict the effect of sequence changes on RNA splicing suggest that this variant may create or strengthen a splice site.

Diagnostics Division, CENTRE FOR DNA FINGERPRINTING AND DIAGNOSTICS
Classification: Likely pathogenic for Mucolipidosis type II; Pseudo-Hurler polydystrophy. Last evaluated: 2016-01-01. Review status: criteria provided, single submitter. Criteria: ACMG Guidelines, 2015. Collection method: research. Allele origin: unknown. Affected: yes. Observed: 1 homozygote.
Comment: Missense variant

Eurofins Ntd Llc (ga)
Classification: Uncertain significance. Last evaluated: 2014-12-30. Review status: criteria provided, single submitter. Criteria: EGL Classification Definitions 2015. Collection method: clinical testing. Allele origin: germline. Observed: 1 variant allele, 1 homozygote.

Literature cited by the submitters: PubMed 32651481 (cited by Labcorp Genetics (formerly Invitae), Labcorp).